The following is an entry in ClinVar:

ClinVar aggregate classification (germline): Uncertain significance (1 of 4 stars; one submission).

Conditions:
Hereditary cancer-predisposing syndrome. Also called: Hereditary Cancer Syndrome; Hereditary neoplastic syndrome; Neoplastic Syndromes, Hereditary; Tumor predisposition. Identifiers: Orphanet 140162, MedGen C0027672, MeSH D009386, MONDO:0015356.

Submission:

Ambry Genetics
Classification: Uncertain significance for Hereditary cancer-predisposing syndrome. Last evaluated: 2022-04-22. Review status: criteria provided, single submitter. Criteria: Ambry Variant Classification Scheme 2023. Collection method: clinical testing. Allele origin: germline.
Comment: The p.E447V variant (also known as c.1340A>T), located in coding exon 8 of the KIT gene, results from an A to T substitution at nucleotide position 1340. The glutamic acid at codon 447 is replaced by valine, an amino acid with dissimilar properties. This amino acid position is conserved. In addition, the in silico prediction for this alteration is inconclusive. Since supporting evidence is limited at this time, the clinical significance of this alteration remains unclear.

NM_000222.3(KIT):c.1340A>T (p.Glu447Val)

Gene: KIT (KIT proto-oncogene, receptor tyrosine kinase; plus strand). Cytogenetic location: 4q12.
Variant type: single nucleotide variant.
Coding change: c.1340A>T on transcript NM_000222.3 (MANE Select); coding-DNA position 1340, A replaced by T.
Protein change: p.Glu447Val; replaces glutamic acid 447 with valine.
Molecular consequence: missense variant.
Genome position (GRCh38, 1-based): chr4:54,723,692, A>T. VCF-style: chr4-54723692-A-T. GRCh37 (hg19) VCF-style: chr4-55589858-A-T.
Other names: c.1340A>T, p.Glu447Val (NM_001093772.2, NM_001385285.1, NM_001385286.1); c.1343A>T, p.Glu448Val (NM_001385284.1, NM_001385288.1, NM_001385290.1 and 1 more transcripts); short protein forms E447V, E448V.
Identifiers: ClinVar variation 1770349 (VCV001770349.2), dbSNP rs2475527747, ClinGen allele CA356905773.